The following is an entry in ClinVar:

ClinVar aggregate classification (germline): Uncertain significance (1 of 4 stars; one submission).

Submission:

Labcorp Genetics (formerly Invitae), Labcorp
Classification: Uncertain significance. Last evaluated: 2023-06-10. Review status: criteria provided, single submitter. Criteria: Invitae Variant Classification Sherloc (09022015). Collection method: clinical testing. Allele origin: germline.
Comment: Experimental studies and prediction algorithms are not available or were not evaluated, and the functional significance of this variant is currently unknown. In summary, the available evidence is currently insufficient to determine the role of this variant in disease. Therefore, it has been classified as a Variant of Uncertain Significance. This sequence change creates a premature translational stop signal (p.Gln254*) in the TNFRSF6B gene. While this is not anticipated to result in nonsense mediated decay, it is expected to disrupt the last 47 amino acid(s) of the TNFRSF6B protein. This variant is not present in population databases (gnomAD no frequency). This variant has not been reported in the literature in individuals affected with TNFRSF6B-related conditions.

NM_003823.4(TNFRSF6B):c.760C>T (p.Gln254Ter)

Genes: RTEL1-TNFRSF6B (RTEL1-TNFRSF6B readthrough (NMD candidate); plus strand), TNFRSF6B (TNF receptor superfamily member 6b; plus strand). Cytogenetic location: 20q13.33.
Variant type: single nucleotide variant.
Coding change: c.760C>T on transcript NM_003823.4 (MANE Select); coding-DNA position 760, C replaced by T.
Protein change: p.Gln254Ter; replaces glutamine 254 with a stop codon.
Molecular consequence: nonsense. On other transcripts: non-coding transcript variant (1).
Genome position (GRCh38, 1-based): chr20:63,698,420, C>T. VCF-style: chr20-63698420-C-T. GRCh37 (hg19) VCF-style: chr20-62329773-C-T.
Other names: short protein forms Q254*.
Identifiers: ClinVar variation 2787865 (VCV002787865.3), dbSNP rs770649191, ClinGen allele CA409712104.
Genomic context (GRCh38, chr20:63,698,420, plus strand): 5'-CAGGCCCTCGAGGCCCCGGAGGGCTGGGGTCCGACACCAAGGGCGGGCCGCGCGGCCTTG[C>T]AGCTGAAGCTGCGTCGGCGGCTCACGGAGCTCCTGGGGGCGCAGGACGGGGCGCTGCTGG-3'